The following is an entry in ClinVar:

NM_001364905.1(LRBA):c.6686T>G (p.Leu2229Ter)

Gene: LRBA (LPS responsive beige-like anchor protein; minus strand). Cytogenetic location: 4q31.3.
Variant type: single nucleotide variant.
Coding change: c.6686T>G on transcript NM_001364905.1 (MANE Select); coding-DNA position 6686, T replaced by G.
Protein change: p.Leu2229Ter; replaces leucine 2229 with a stop codon.
Molecular consequence: nonsense.
Genome position (GRCh38, 1-based): chr4:150,467,767, A>C on the plus strand (T>G on the coding strand, the complement: LRBA is on the minus strand). VCF-style: chr4-150467767-A-C. GRCh37 (hg19) VCF-style: chr4-151388919-A-C.
Other names: c.6686T>G, p.Leu2229Ter (NM_001199282.3, NM_001367550.1, NM_001440431.1); c.6719T>G, p.Leu2240Ter (NM_001440430.1, NM_006726.5); c.389T>G, p.Leu130Ter (NM_001440432.1); c.383T>G, p.Leu128Ter (NM_001440433.1); short protein forms L128*, L130*, L2229*, L2240*.
Identifiers: ClinVar variation 4797853 (VCV004797853.1).

ClinVar aggregate classification (germline): Pathogenic (1 of 4 stars; one submission).

Conditions:
Combined immunodeficiency due to LRBA deficiency. Also called: Common variable immunodeficiency 8, with autoimmunity. Identifiers: Orphanet 445018, MedGen C3553512, MONDO:0013863, OMIM 614700.

Submission:

Labcorp Genetics (formerly Invitae), Labcorp
Classification: Pathogenic for Combined immunodeficiency due to LRBA deficiency. Last evaluated: 2025-03-11. Review status: criteria provided, single submitter. Criteria: Invitae Variant Classification Sherloc (09022015). Collection method: clinical testing. Allele origin: germline.
Comment: This sequence change creates a premature translational stop signal (p.Leu2240*) in the LRBA gene. It is expected to result in an absent or disrupted protein product. Loss-of-function variants in LRBA are known to be pathogenic (PMID: 26206937, 26768763). This variant is not present in population databases (gnomAD no frequency). This variant has not been reported in the literature in individuals affected with LRBA-related conditions. For these reasons, this variant has been classified as Pathogenic.

Literature cited by the submitters: PubMed 26206937; PubMed 26768763.